The following is an entry in ClinVar:

NM_024996.7(GFM1):c.749G>A (p.Arg250Gln)

Gene: GFM1 (G elongation factor mitochondrial 1; plus strand). Cytogenetic location: 3q25.32.
Variant type: single nucleotide variant.
Coding change: c.749G>A on transcript NM_024996.7 (MANE Select); coding-DNA position 749, G replaced by A.
Protein change: p.Arg250Gln; replaces arginine 250 with glutamine.
Molecular consequence: missense variant. On other transcripts: non-coding transcript variant (4).
Genome position (GRCh38, 1-based): chr3:158,652,155, G>A. VCF-style: chr3-158652155-G-A. GRCh37 (hg19) VCF-style: chr3-158369944-G-A.
Other names: c.806G>A, p.Arg269Gln (NM_001308164.2, NM_001374355.1); c.749G>A, p.Arg250Gln (NM_001308166.2); c.632G>A, p.Arg211Gln (NM_001374356.1); c.524G>A, p.Arg175Gln (NM_001374357.1); c.290G>A, p.Arg97Gln (NM_001374358.1); c.182G>A, p.Arg61Gln (NM_001374359.1, NM_001374360.1); c.65G>A, p.Arg22Gln (NM_001374361.1); short protein forms R211Q, R22Q, R250Q, R269Q, R61Q, R97Q, R175Q.
Identifiers: ClinVar variation 870603 (VCV000870603.11), dbSNP rs752251570, ClinGen allele CA2682414.
Genomic context (GRCh38, chr3:158,652,155, plus strand): 5'-GTCAGATTGTTCGATATGGTGAGATTCCAGCTGAATTAAGGGCGGCGGCCACTGACCACC[G>A]GCAGGAGCTAATTGAATGTGTTGCCAATTCAGATGAACAGCTTGGTGAGATGTTTCTGGA-3'
Protein context (NP_079272.4, residues 240-260): AELRAAATDH[Arg250Gln]QELIECVANS

ClinVar aggregate classification (germline): Conflicting classifications of pathogenicity. Review status: criteria provided, conflicting classifications (1 of 4 stars). 3 submissions from 3 submitters: Likely pathogenic (1); Uncertain significance (2). Last evaluated 2024-07-10.

Conditions:
Relative macrocephaly. Identifiers: MedGen C1849075, HP:0004482.
Developmental regression. Also called: C1836830. Identifiers: MedGen C1836830, HP:0002376.
Severe muscular hypotonia. Also called: Severe hypotonia. Identifiers: MedGen C1839630, HP:0006829.

gnomAD v4.1: 8 of 1,613,844 alleles (0.0005%); highest among the groups gnomAD compares: Admixed American, 0.0017%; no homozygotes.

Submissions (3):

Labcorp Genetics (formerly Invitae), Labcorp
Classification: Likely pathogenic. Last evaluated: 2024-07-10. Review status: criteria provided, single submitter. Criteria: Invitae Variant Classification Sherloc (09022015). Collection method: clinical testing. Allele origin: germline.
Comment: This sequence change replaces arginine, which is basic and polar, with glutamine, which is neutral and polar, at codon 250 of the GFM1 protein (p.Arg250Gln). This variant is present in population databases (rs752251570, gnomAD 0.003%). This variant has not been reported in the literature in individuals affected with GFM1-related conditions. ClinVar contains an entry for this variant (Variation ID: 870603). Advanced modeling of protein sequence and biophysical properties (such as structural, functional, and spatial information, amino acid conservation, physicochemical variation, residue mobility, and thermodynamic stability) has been performed at Invitae for this missense variant, however the output from this modeling did not meet the statistical confidence thresholds required to predict the impact of this variant on GFM1 protein function. This variant disrupts the p.Arg250 amino acid residue in GFM1. Other variant(s) that disrupt this residue have been determined to be pathogenic (PMID: 21119709, 28216230). This suggests that this residue is clinically significant, and that variants that disrupt this residue are likely to be disease-causing. In summary, the currently available evidence indicates that the variant is pathogenic, but additional data are needed to prove that conclusively. Therefore, this variant has been classified as Likely Pathogenic.

Women's Health and Genetics/Laboratory Corporation of America, LabCorp
Classification: Uncertain significance. Last evaluated: 2024-03-15. Review status: criteria provided, single submitter. Criteria: LabCorp Variant Classification Summary - May 2015. Collection method: clinical testing. Allele origin: germline.
Comment: Variant summary: GFM1 c.749G>A (p.Arg250Gln) results in a conservative amino acid change located in the Translational (tr)-type GTP-binding domain (IPR000795) of the encoded protein sequence. Four of five in-silico tools predict a damaging effect of the variant on protein function. The variant allele was found at a frequency of 1.2e-05 in 251452 control chromosomes (gnomAD). The available data on variant occurrences in the general population are insufficient to allow any conclusion about variant significance. To our knowledge, no occurrence of c.749G>A in individuals affected with Combined Oxidative Phosphorylation Deficiency 1 and no experimental evidence demonstrating its impact on protein function have been reported. ClinVar contains an entry for this variant (Variation ID: 870603). A different missense affecting the same amino acid (p.Arg250Trp) is classified as pathogenic by our lab, and this might indicate the functional importance of the Arg250 residue. Based on the evidence outlined above, the variant was classified as uncertain significance.

Diagnostics Services (NGS), CSIR - Centre For Cellular And Molecular Biology
Classification: Uncertain significance for Developmental regression; Severe muscular hypotonia; Relative macrocephaly. Last evaluated: 2020-04-08. Review status: criteria provided, single submitter. Criteria: ACMG Guidelines, 2015. Collection method: clinical testing. Allele origin: unknown. Affected: yes. Observed: 1 homozygote.
Comment: Homozygous or compound heterozygous variations in GFM1 gene (MIM*606639) are known to cause autosomal recessive combined oxidative phosphorylation deficiency 1 (COXPD1, MIM#609060). COXPD1 is an autosomal recessive multisystem disorder with variable manifestations resulting from a defect in the mitochondrial oxidative phosphorylation system. Onset occurs at or soon after birth, and features can include growth retardation, microcephaly, hypertonicity, axial hypotonia, encephalopathy, cardiomyopathy, and liver dysfunction. Death usually occurs in the first weeks or years of life [Smits et al., Eur J Hum Genet 2011]. The c.749G>A variant is not present in publicly available databases like 1000 Genomes and Exome Variant Server (EVS). It is present in Exome Aggregation Consortium (ExAC), Genome Aggregation Database (gnomAD) and dbSNP at a very low frequency, only in heterozygous state. The variant is not present in our in-house exome database. The variant was not reported to OMIM, Human Genome Mutation Database (HGMD) or ClinVar databases in any affected individuals. In-silico pathogenicity prediction programs like SIFT, PolyPhen-3, MutationTaster2, CADD etc. predicted this variant to be likely deleterious. However there are no documented functional studies to prove this. Due to lack of enough edicence and also considering the phenotype the variant has been classified as uncertain significance.

Literature cited by the submitters: PubMed 21119709 (cited by Labcorp Genetics (formerly Invitae), Labcorp); PubMed 28216230 (cited by Labcorp Genetics (formerly Invitae), Labcorp).